The following is an entry in ClinVar:

NM_000256.3(MYBPC3):c.3455C>A (p.Ala1152Asp)

Gene: MYBPC3 (myosin binding protein C3; minus strand). Cytogenetic location: 11p11.2.
Variant type: single nucleotide variant.
Coding change: c.3455C>A on transcript NM_000256.3 (MANE Select); coding-DNA position 3455, C replaced by A.
Protein change: p.Ala1152Asp; replaces alanine 1152 with aspartic acid.
Molecular consequence: missense variant.
Genome position (GRCh38, 1-based): chr11:47,332,849, G>T on the plus strand (C>A on the coding strand, the complement: MYBPC3 is on the minus strand). VCF-style: chr11-47332849-G-T. GRCh37 (hg19) VCF-style: chr11-47354400-G-T.
Other names: short protein forms A1152D.
Identifiers: ClinVar variation 3071953 (VCV003071953.1), dbSNP rs1319448449, ClinGen allele CA380313188.
Genomic context (GRCh38, chr11:47,332,849, plus strand): 5'-GGTTGGAAGAATGAGGGTACAGCACCTGGTCTGGGGATAAAGACGGGCTCCTTGGTGGTG[G>T]CCGCTCTGTCACTAAAGCCAACCATATTCTGGCTGAAGACGCGGAAGTAGTAGCCATTGC-3'
Protein context (NP_000247.2, residues 1142-1162): QNMVGFSDRA[Ala1152Asp]TTKEPVFIPR

ClinVar aggregate classification (germline): Uncertain significance (1 of 4 stars; one submission).

Conditions:
Hypertrophic cardiomyopathy. Also called: HYPERTROPHIC MYOCARDIOPATHY. Identifiers: Orphanet 217569, MedGen C0007194, MeSH D002312, MONDO:0005045, HP:0001639.

Submission:

All of Us Research Program, National Institutes of Health
Classification: Uncertain significance for Hypertrophic cardiomyopathy. Last evaluated: 2023-06-26. Review status: criteria provided, single submitter. Criteria: ACMG Guidelines, 2015. Collection method: clinical testing. Allele origin: germline. Inheritance: Autosomal dominant inheritance. Observed: 1 variant allele, 1 heterozygote.
Comment: This missense variant replaces alanine with aspartic acid at codon 1152 of the MYBPC3 protein. Computational prediction suggests that this variant may not impact protein structure and function (internally defined REVEL score threshold <= 0.5, PMID: 27666373). To our knowledge, functional studies have not been reported for this variant. This variant has not been reported in individuals affected with MYBPC3-related disorders in the literature. This variant has not been identified in the general population by the Genome Aggregation Database (gnomAD). The available evidence is insufficient to determine the role of this variant in disease conclusively. Therefore, this variant is classified as a Variant of Uncertain Significance.

This study involves interpretation of variants in research participants for the purpose of population health screening. Participant phenotype was not available at the time of variant classification. Additional details can be found in publication PMID: 35346344, PMCID: PMC8962531